The following is an entry in ClinVar:

NM_000179.3(MSH6):c.376del (p.Ser126fs)

Gene: MSH6 (mutS homolog 6; plus strand). Cytogenetic location: 2p16.3.
Variant type: Deletion.
Coding change: c.376del on transcript NM_000179.3 (MANE Select); coding-DNA position 376, one base deleted (T; older notation c.376delT).
Protein change: p.Ser126fs; shifts the reading frame from serine 126.
Molecular consequence: frameshift variant. On other transcripts: 5 prime UTR variant (7), non-coding transcript variant (5), intron variant (6).
Genome position (GRCh38, 1-based): chr2:47,791,042, T deleted. VCF-style (leftmost placement, unchanged base first): chr2-47791041-AT-A. GRCh37 (hg19) VCF-style: chr2-48018180-AT-A.
Other names: c.79del, p.Ser27fs (NM_001406818.1, NM_001406819.1, NM_001406820.1 and 10 more transcripts); c.-361del (NM_001406823.1, NM_001281493.2, NM_001406811.1 and 1 more transcripts); c.208del, p.Ser70fs (NM_001406826.1); c.-527del (NM_001281494.2); c.472del, p.Ser158fs (NM_001406795.1, NM_001406802.1); c.376del, p.Ser126fs (NM_001406796.1, NM_001406798.1, NM_001406800.1 and 6 more transcripts); c.298del, p.Ser100fs (NM_001406804.1); c.-553del (NM_001406807.1); and 6 more; short protein forms S158fs, S126fs, S27fs, S100fs, S70fs.
Identifiers: ClinVar variation 2829777 (VCV002829777.3), dbSNP rs2530436894, ClinGen allele CA2739274435.

ClinVar aggregate classification (germline): Pathogenic (1 of 4 stars; one submission).

Conditions:
Hereditary nonpolyposis colorectal neoplasms. Identifiers: MedGen C0009405, MeSH D003123.

Submission:

Labcorp Genetics (formerly Invitae), Labcorp
Classification: Pathogenic for Hereditary nonpolyposis colorectal neoplasms. Last evaluated: 2023-02-08. Review status: criteria provided, single submitter. Criteria: Invitae Variant Classification Sherloc (09022015). Collection method: clinical testing. Allele origin: germline.
Comment: For these reasons, this variant has been classified as Pathogenic. This variant has not been reported in the literature in individuals affected with MSH6-related conditions. This variant is not present in population databases (gnomAD no frequency). This sequence change creates a premature translational stop signal (p.Ser126Glnfs*23) in the MSH6 gene. It is expected to result in an absent or disrupted protein product. Loss-of-function variants in MSH6 are known to be pathogenic (PMID: 18269114, 24362816).

Literature cited by the submitters: PubMed 18269114; PubMed 24362816.